The following is an entry in ClinVar:

ClinVar aggregate classification (germline): Uncertain significance (1 of 4 stars; one submission).

Submission:

GeneDx
Classification: Uncertain significance. Last evaluated: 2026-04-13. Review status: criteria provided, single submitter. Criteria: GeneDx Variant Classification Process June 2021. Collection method: clinical testing. Allele origin: germline.
Comment: Not observed at significant frequency in large population cohorts (gnomAD); In silico analysis supports that this missense variant has a deleterious effect on protein structure/function; Has not been previously published as pathogenic or benign to our knowledge

NM_015557.3(CHD5):c.2149C>G (p.Gln717Glu)

Gene: CHD5 (chromodomain helicase DNA binding protein 5; minus strand). Cytogenetic location: 1p36.31.
Variant type: single nucleotide variant.
Coding change: c.2149C>G on transcript NM_015557.3 (MANE Select); coding-DNA position 2149, C replaced by G.
Protein change: p.Gln717Glu; replaces glutamine 717 with glutamic acid.
Molecular consequence: missense variant.
Genome position (GRCh38, 1-based): chr1:6,142,500, G>C on the plus strand (C>G on the coding strand, the complement: CHD5 is on the minus strand). VCF-style: chr1-6142500-G-C. GRCh37 (hg19) VCF-style: chr1-6202560-G-C.
Other names: short protein forms Q717E.
Identifiers: ClinVar variation 5037138 (VCV005037138.1).